The following is an entry in ClinVar:

ClinVar aggregate classification (germline): Conflicting classifications of pathogenicity. Review status: criteria provided, conflicting classifications (1 of 4 stars). 3 submissions from 3 submitters: Pathogenic (1); Uncertain significance (2). Last evaluated 2026-08-06.

Conditions:
Cornelia de Lange syndrome 1 (CDLS1). Also called: TYPUS DEGENERATIVUS AMSTELODAMENSIS; Brachmann de Lange syndrome; NIPBL-Related Cornelia de Lange Syndrome. Identifiers: Orphanet 199, MedGen C4551851, MONDO:0007387, OMIM 122470.

Allele frequency attached by ClinVar (database versions not stated): gnomAD exomes below 0.00001.
gnomAD v4.1: 2 of 1,614,100 alleles (0.00012%); highest among the groups gnomAD compares: Non-Finnish European, 0.00017%; no homozygotes.

Submissions (3):

GeneDx
Classification: Pathogenic. Last evaluated: 2026-08-06. Review status: criteria provided, single submitter. Criteria: GeneDx Variant Classification Process June 2021. Collection method: clinical testing. Allele origin: germline.
Comment: Not observed at significant frequency in large population cohorts (gnomAD); In silico analysis supports that this missense variant has a deleterious effect on protein structure/function; Has not been previously published as pathogenic or benign to our knowledge

Clinical Genetics Laboratory, Skane University Hospital Lund
Classification: Uncertain significance. Last evaluated: 2024-03-13. Review status: criteria provided, single submitter. Criteria: ACMG Guidelines, 2015. Collection method: clinical testing. Allele origin: germline. Affected: yes.

Fulgent Genetics
Classification: Uncertain significance for Cornelia de Lange syndrome 1. Last evaluated: 2024-02-01. Review status: criteria provided, single submitter. Criteria: ACMG Guidelines, 2015. Collection method: clinical testing. Allele origin: germline.

NM_133433.4(NIPBL):c.7208G>A (p.Arg2403His)

Gene: NIPBL (NIPBL cohesin loading factor; plus strand). Cytogenetic location: 5p13.2.
Variant type: single nucleotide variant.
Coding change: c.7208G>A on transcript NM_133433.4 (MANE Select); coding-DNA position 7208, G replaced by A.
Protein change: p.Arg2403His; replaces arginine 2403 with histidine.
Molecular consequence: missense variant.
Genome position (GRCh38, 1-based): chr5:37,052,511, G>A. VCF-style: chr5-37052511-G-A. GRCh37 (hg19) VCF-style: chr5-37052613-G-A.
Other names: c.7208G>A, p.Arg2403His (NM_015384.5); short protein forms R2403H.
Identifiers: ClinVar variation 2429613 (VCV002429613.6), dbSNP rs2478658915, ClinGen allele CA359511798.